The following is an entry in ClinVar:

NM_014846.4(WASHC5):c.1911del (p.Leu638fs)

Gene: WASHC5 (WASH complex subunit 5; minus strand). Cytogenetic location: 8q24.13.
Variant type: Deletion.
Coding change: c.1911del on transcript NM_014846.4 (MANE Select); coding-DNA position 1911, one base deleted (T; older notation c.1911delT).
Protein change: p.Leu638fs; shifts the reading frame from leucine 638.
Molecular consequence: frameshift variant.
Genome position (GRCh38, 1-based): chr8:125,056,782, A deleted on the plus strand (T on the coding strand, the reverse complement: WASHC5 is on the minus strand). VCF-style (leftmost placement, unchanged base first): chr8-125056781-GA-G. GRCh37 (hg19) VCF-style: chr8-126069023-GA-G.
Other names: c.1467del, p.Leu490fs (NM_001330609.2); short protein forms L490fs, L638fs.
Identifiers: ClinVar variation 5007271 (VCV005007271.2).
Genomic context (GRCh38, chr8:125,056,781, plus strand): 5'-TGTCCAGGCGGGTAGGCACTTCAATAATGTCGTGGGTCTGAAGCTTTATGATCTTTAGAA[GA>G]GATGTAAACATGCTTTCTGGGATGATCTGCAAAACCTTCAGTGAAAAGGAAAGCAGGAAA-3'

ClinVar aggregate classification (germline): Uncertain significance (1 of 4 stars; one submission).

Conditions:
Hereditary spastic paraplegia 8 (SPG8). Also called: SPASTIC PARAPLEGIA 8, AUTOSOMAL DOMINANT. Identifiers: Orphanet 100989, MedGen C1863704, MONDO:0011339, OMIM 603563.
Ritscher-Schinzel syndrome 1 (RTSC1). Identifiers: Orphanet 7, MedGen C4551776, MONDO:0009073, OMIM 220210.

Submission:

Juno Genomics, Hangzhou Juno Genomics, Inc
Classification: Uncertain significance for Ritscher-Schinzel syndrome 1; Hereditary spastic paraplegia 8. Review status: criteria provided, single submitter. Criteria: ACMG Guidelines, 2015. Collection method: clinical testing. Allele origin: germline.
Comment: Absent from controls (or at extremely low frequency if recessive) in Genome Aggregation Database.